The following is an entry in ClinVar:

NM_004260.4(RECQL4):c.721G>A (p.Ala241Thr)

Gene: RECQL4 (RecQ like helicase 4; minus strand). Cytogenetic location: 8q24.3.
Variant type: single nucleotide variant.
Coding change: c.721G>A on transcript NM_004260.4 (MANE Select); coding-DNA position 721, G replaced by A.
Protein change: p.Ala241Thr; replaces alanine 241 with threonine.
Molecular consequence: missense variant.
Genome position (GRCh38, 1-based): chr8:144,516,398, C>T on the plus strand (G>A on the coding strand, the complement: RECQL4 is on the minus strand). VCF-style: chr8-144516398-C-T. GRCh37 (hg19) VCF-style: chr8-145741782-C-T.
Other names: c.721G>A (NM_004260.3); short protein forms A241T.
Identifiers: ClinVar variation 1017825 (VCV001017825.6), dbSNP rs1815000155, ClinGen allele CA372689527.

ClinVar aggregate classification (germline): Uncertain significance. Review status: criteria provided, multiple submitters, no conflicts (2 of 4 stars). 2 submissions from 2 submitters: Uncertain significance (2). Last evaluated 2025-05-21.

Conditions:
Baller-Gerold syndrome (BGS). Also called: CRANIOSYNOSTOSIS WITH RADIAL DEFECTS. Identifiers: Orphanet 1225, MedGen C0265308, MONDO:0009039, OMIM 218600.
Inborn genetic diseases. Identifiers: MedGen C0950123, MeSH D030342.

Allele frequency attached by ClinVar (database versions not stated): gnomAD exomes below 0.00001.

Submissions (2):

Ambry Genetics
Classification: Uncertain significance for Inborn genetic diseases. Last evaluated: 2025-05-21. Review status: criteria provided, single submitter. Criteria: Ambry Variant Classification Scheme 2023. Collection method: clinical testing. Allele origin: germline.
Comment: The p.A241T variant (also known as c.721G>A), located in coding exon 5 of the RECQL4 gene, results from a G to A substitution at nucleotide position 721. The alanine at codon 241 is replaced by threonine, an amino acid with similar properties. This amino acid position is conserved. In addition, this alteration is predicted to be tolerated by in silico analysis. Based on the available evidence, the clinical significance of this variant remains unclear.

Labcorp Genetics (formerly Invitae), Labcorp
Classification: Uncertain significance for Baller-Gerold syndrome. Last evaluated: 2024-04-30. Review status: criteria provided, single submitter. Criteria: Invitae Variant Classification Sherloc (09022015). Collection method: clinical testing. Allele origin: germline.
Comment: This sequence change replaces alanine, which is neutral and non-polar, with threonine, which is neutral and polar, at codon 241 of the RECQL4 protein (p.Ala241Thr). This variant is not present in population databases (gnomAD no frequency). This variant has not been reported in the literature in individuals affected with RECQL4-related conditions. ClinVar contains an entry for this variant (Variation ID: 1017825). Advanced modeling of protein sequence and biophysical properties (such as structural, functional, and spatial information, amino acid conservation, physicochemical variation, residue mobility, and thermodynamic stability) performed at Invitae indicates that this missense variant is not expected to disrupt RECQL4 protein function with a negative predictive value of 80%. In summary, the available evidence is currently insufficient to determine the role of this variant in disease. Therefore, it has been classified as a Variant of Uncertain Significance.